The following is an entry in ClinVar:

ClinVar aggregate classification (germline): Pathogenic. Review status: criteria provided, multiple submitters, no conflicts (2 of 4 stars). 2 submissions from 2 submitters: Pathogenic (2). Last evaluated 2025-04-21.

Conditions:
Familial cancer of breast. Also called: BREAST CANCER, FAMILIAL; hereditary breast carcinoma; Hereditary breast cancer. Identifiers: Orphanet 227535, MedGen C0346153, MONDO:0016419, OMIM 114480. Disease mechanism: loss of function.
Ataxia-telangiectasia syndrome (AT). Also called: ATAXIA-TELANGIECTASIA, COMPLEMENTATION GROUP A; ATAXIA-TELANGIECTASIA, FRESNO VARIANT; Ataxia-telangiectasia; Ataxia-telangiectasia, complementation group D; Ataxia-telangiectasia, complementation group E; Ataxia telangiectasia (A-T). Identifiers: Orphanet 100, MedGen C0004135, MONDO:0008840, OMIM 208900.

Allele frequency attached by ClinVar (database versions not stated): gnomAD exomes below 0.00001; ExAC 0.00001.
gnomAD v4.1: 2 of 1,613,748 alleles (0.00012%); highest among the groups gnomAD compares: South Asian, 0.0011%; no homozygotes.

Submissions (2):

Myriad Genetics, Inc.
Classification: Pathogenic for Familial cancer of breast. Last evaluated: 2025-04-21. Review status: criteria provided, single submitter. Criteria: Myriad Autosomal Dominant, Autosomal Recessive and X-Linked Classification Criteria (2023). Collection method: clinical testing. Allele origin: unknown.
Comment: This variant is considered pathogenic. This variant creates a termination codon and is predicted to result in premature protein truncation.

Labcorp Genetics (formerly Invitae), Labcorp
Classification: Pathogenic for Ataxia-telangiectasia syndrome. Last evaluated: 2021-08-06. Review status: criteria provided, single submitter. Criteria: Invitae Variant Classification Sherloc (09022015). Collection method: clinical testing. Allele origin: germline.
Comment: For these reasons, this variant has been classified as Pathogenic. This variant has not been reported in the literature in individuals affected with ATM-related conditions. This variant is present in population databases (rs771549673, ExAC 0.006%). This sequence change creates a premature translational stop signal (p.Gln1535*) in the ATM gene. It is expected to result in an absent or disrupted protein product. Loss-of-function variants in ATM are known to be pathogenic (PMID: 23807571, 25614872).

Literature cited by the submitters: PubMed 23807571 (cited by Labcorp Genetics (formerly Invitae), Labcorp); PubMed 25614872 (cited by Labcorp Genetics (formerly Invitae), Labcorp).

NM_000051.4(ATM):c.4603C>T (p.Gln1535Ter)

Gene: ATM (ATM serine/threonine kinase; plus strand). Cytogenetic location: 11q22.3.
Variant type: single nucleotide variant.
Coding change: c.4603C>T on transcript NM_000051.4 (MANE Select); coding-DNA position 4603, C replaced by T.
Protein change: p.Gln1535Ter; replaces glutamine 1535 with a stop codon.
Molecular consequence: nonsense.
Genome position (GRCh38, 1-based): chr11:108,292,785, C>T. VCF-style: chr11-108292785-C-T. GRCh37 (hg19) VCF-style: chr11-108163512-C-T.
Other names: c.4603C>T, p.Gln1535Ter (NM_001351834.2); short protein forms Q1535*.
Identifiers: ClinVar variation 1362232 (VCV001362232.7), dbSNP rs771549673, ClinGen allele CA6265501.
Genomic context (GRCh38, chr11:108,292,785, plus strand): 5'-AACCATCTTCATGTTATTGTTGGTACACTTATACCCCTTGTGTATGAGCAGGTGGAGGTT[C>T]AGAAACAGGTAATTTTCTGACTCATCTTCAAAATGGTATTTAAAATATATAAAGTATTGT-3'